The following is an entry in ClinVar:

NM_000426.4(LAMA2):c.3705G>A (p.Trp1235Ter)

Gene: LAMA2 (laminin subunit alpha 2; plus strand). Cytogenetic location: 6q22.33.
Variant type: single nucleotide variant.
Coding change: c.3705G>A on transcript NM_000426.4 (MANE Select); coding-DNA position 3705, G replaced by A.
Protein change: p.Trp1235Ter; replaces tryptophan 1235 with a stop codon.
Molecular consequence: nonsense.
Genome position (GRCh38, 1-based): chr6:129,315,625, G>A. VCF-style: chr6-129315625-G-A. GRCh37 (hg19) VCF-style: chr6-129636770-G-A.
Other names: c.3705G>A, p.Trp1235Ter (NM_001079823.2); short protein forms W1235*.
Identifiers: ClinVar variation 1724549 (VCV001724549.3), dbSNP rs2482415558, ClinGen allele CA365613077.

ClinVar aggregate classification (germline): Likely pathogenic (1 of 4 stars; one submission).

Conditions:
LAMA2-related muscular dystrophy (LAMA2-RD). Also called: Laminin alpha 2-related dystrophy. Identifiers: MedGen C5679788, MONDO:0100228.

Submission:

Myriad Genetics, Inc.
Classification: Likely pathogenic for LAMA2-related muscular dystrophy. Last evaluated: 2021-11-14. Review status: criteria provided, single submitter. Criteria: Myriad Autosomal Dominant, Autosomal Recessive and X-Linked Classification Criteria (2023). Collection method: clinical testing. Allele origin: unknown.
Comment: NM_000426.3(LAMA2):c.3705G>A(W1235*) is expected to be pathogenic in the context of muscular dystrophy, LAMA2-related. This variant is predicted to lead to an abnormal or absent protein product due to the creation of a premature termination codon in LAMA2, a gene where loss-of-function variants are known to be pathogenic. Please note: this variant was assessed in the context of healthy population screening.